The following is an entry in ClinVar:

NM_001370466.1(NOD2):c.2915G>C (p.Gly972Ala)

Genes: NOD2 (nucleotide binding oligomerization domain containing 2; plus strand), CYLD-AS1 (CYLD antisense RNA 1; minus strand). Cytogenetic location: 16q12.1.
Variant type: single nucleotide variant.
Coding change: c.2915G>C on transcript NM_001370466.1 (MANE Select); coding-DNA position 2915, G replaced by C.
Protein change: p.Gly972Ala; replaces glycine 972 with alanine.
Molecular consequence: missense variant. On other transcripts: non-coding transcript variant (1).
Genome position (GRCh38, 1-based): chr16:50,729,847, G>C. VCF-style: chr16-50729847-G-C. GRCh37 (hg19) VCF-style: chr16-50763758-G-C.
Other names: c.2915G>C, p.Gly972Ala (NM_001293557.2); c.2996G>C, p.Gly999Ala (NM_022162.3); short protein forms G972A, G999A.
Identifiers: ClinVar variation 641566 (VCV000641566.16), dbSNP rs1238071864, ClinGen allele CA395876748.

ClinVar aggregate classification (germline): Uncertain significance. Review status: criteria provided, multiple submitters, no conflicts (2 of 4 stars). 2 submissions from 2 submitters: Uncertain significance (2). Last evaluated 2025-04-01.

Conditions:
Regional enteritis. Also called: Enteritis, Granulomatous. Identifiers: MedGen C0678202, MeSH D003424.
Blau syndrome (BLAUS). Also called: JABS SYNDROME; ARTHROCUTANEOUVEAL GRANULOMATOSIS; GRANULOMATOSIS, FAMILIAL JUVENILE SYSTEMIC; GRANULOMATOSIS, FAMILIAL, BLAU TYPE; GRANULOMATOUS INFLAMMATORY ARTHRITIS, DERMATITIS, AND UVEITIS, FAMILIAL. Identifiers: Orphanet 90340, MedGen C5201146, MONDO:0008523, OMIM 186580.

gnomAD v4.1: 2 of 1,613,046 alleles (0.00012%); highest among the groups gnomAD compares: Middle Eastern, 0.017%; no homozygotes.

Submissions (2):

CeGaT Center for Human Genetics Tuebingen
Classification: Uncertain significance. Last evaluated: 2025-04-01. Review status: criteria provided, single submitter. Criteria: CeGaT Center For Human Genetics Tuebingen Variant Classification Criteria Version 2. Collection method: clinical testing. Allele origin: germline. Affected: yes. Observed: 1 variant allele.
Comment: NOD2: PM2, BP4

Labcorp Genetics (formerly Invitae), Labcorp
Classification: Uncertain significance for Regional enteritis; Blau syndrome. Last evaluated: 2024-02-17. Review status: criteria provided, single submitter. Criteria: Invitae Variant Classification Sherloc (09022015). Collection method: clinical testing. Allele origin: germline.
Comment: This sequence change replaces glycine, which is neutral and non-polar, with alanine, which is neutral and non-polar, at codon 999 of the NOD2 protein (p.Gly999Ala). This variant is not present in population databases (gnomAD no frequency). This variant has not been reported in the literature in individuals affected with NOD2-related conditions. ClinVar contains an entry for this variant (Variation ID: 641566). Advanced modeling of protein sequence and biophysical properties (such as structural, functional, and spatial information, amino acid conservation, physicochemical variation, residue mobility, and thermodynamic stability) performed at Invitae indicates that this missense variant is not expected to disrupt NOD2 protein function with a negative predictive value of 95%. In summary, the available evidence is currently insufficient to determine the role of this variant in disease. Therefore, it has been classified as a Variant of Uncertain Significance.